The following is an entry in ClinVar:

ClinVar aggregate classification (germline): Uncertain significance (1 of 4 stars; one submission).

gnomAD v4.1: 9 of 1,202,637 alleles (0.00075%); highest among the groups gnomAD compares: South Asian, 0.009%; no homozygotes.

Submission:

Labcorp Genetics (formerly Invitae), Labcorp
Classification: Uncertain significance. Last evaluated: 2024-12-02. Review status: criteria provided, single submitter. Criteria: Invitae Variant Classification Sherloc (09022015). Collection method: clinical testing. Allele origin: germline.
Comment: This sequence change replaces arginine, which is basic and polar, with glutamine, which is neutral and polar, at codon 1844 of the CACNA1F protein (p.Arg1844Gln). The frequency data for this variant in the population databases is considered unreliable, as metrics indicate poor data quality at this position in the gnomAD database. This variant has not been reported in the literature in individuals affected with CACNA1F-related conditions. An algorithm developed to predict the effect of missense changes on protein structure and function outputs the following: PolyPhen-2: "Benign". The glutamine amino acid residue is found in multiple mammalian species, which suggests that this missense change does not adversely affect protein function. In summary, the available evidence is currently insufficient to determine the role of this variant in disease. Therefore, it has been classified as a Variant of Uncertain Significance.

NM_001256789.3(CACNA1F):c.5498G>A (p.Arg1833Gln)

Gene: CACNA1F (calcium voltage-gated channel subunit alpha1 F; minus strand). Cytogenetic location: Xp11.23.
Variant type: single nucleotide variant.
Coding change: c.5498G>A on transcript NM_001256789.3 (MANE Select); coding-DNA position 5498, G replaced by A.
Protein change: p.Arg1833Gln; replaces arginine 1833 with glutamine.
Molecular consequence: missense variant.
Genome position (GRCh38, 1-based): chrX:49,205,788, C>T on the plus strand (G>A on the coding strand, the complement: CACNA1F is on the minus strand). VCF-style: chrX-49205788-C-T. GRCh37 (hg19) VCF-style: chrX-49062248-C-T.
Other names: c.5336G>A, p.Arg1779Gln (NM_001256790.3); c.5531G>A, p.Arg1844Gln (NM_005183.4); short protein forms R1779Q, R1833Q, R1844Q.
Identifiers: ClinVar variation 3610999 (VCV003610999.2).